The following is an entry in ClinVar:

ClinVar aggregate classification (germline): Uncertain significance (1 of 4 stars; one submission).

Submission:

Ambry Genetics
Classification: Uncertain significance. Last evaluated: 2022-02-05. Review status: criteria provided, single submitter. Criteria: Ambry Variant Classification Scheme 2023. Collection method: clinical testing. Allele origin: germline.
Comment: The p.K2075E variant (also known as c.6223A>G), located in coding exon 20 of the POLQ gene, results from an A to G substitution at nucleotide position 6223. The lysine at codon 2075 is replaced by glutamic acid, an amino acid with similar properties. This amino acid position is conserved. In addition, this alteration is predicted to be tolerated by in silico analysis. Since supporting evidence is limited at this time, the clinical significance of this alteration remains unclear.

NM_199420.4(POLQ):c.6223A>G (p.Lys2075Glu)

Gene: POLQ (DNA polymerase theta; minus strand). Cytogenetic location: 3q13.33.
Variant type: single nucleotide variant.
Coding change: c.6223A>G on transcript NM_199420.4 (MANE Select); coding-DNA position 6223, A replaced by G.
Protein change: p.Lys2075Glu; replaces lysine 2075 with glutamic acid.
Molecular consequence: missense variant.
Genome position (GRCh38, 1-based): chr3:121,476,722, T>C on the plus strand (A>G on the coding strand, the complement: POLQ is on the minus strand). VCF-style: chr3-121476722-T-C. GRCh37 (hg19) VCF-style: chr3-121195569-T-C.
Other names: short protein forms K2075E.
Identifiers: ClinVar variation 1752308 (VCV001752308.2), dbSNP rs2546777291, ClinGen allele CA354087174.